The following is an entry in ClinVar:

NM_000156.6(GAMT):c.*17G>A

Gene: GAMT (guanidinoacetate N-methyltransferase; minus strand). Cytogenetic location: 19p13.3.
Variant type: single nucleotide variant.
Coding change: c.*17G>A on transcript NM_000156.6 (MANE Select); 17 bases downstream of the stop codon, G replaced by A.
Molecular consequence: 3 prime UTR variant.
Genome position (GRCh38, 1-based): chr19:1,397,342, C>T on the plus strand (G>A on the coding strand, the complement: GAMT is on the minus strand). VCF-style: chr19-1397342-C-T. GRCh37 (hg19) VCF-style: chr19-1397341-C-T.
Identifiers: ClinVar variation 380976 (VCV000380976.1), dbSNP rs750579816, ClinGen allele CA9043520.
Genomic context (GRCh38, chr19:1,397,342, plus strand): 5'-GGCTGGTGCGACACCCTGGACTCCCGGCCAGGAAGGCACGGAGGAGGGCATGGGTGTGGC[C>T]GGGCCGGGGTGGGGGCTCAGCCTTTGGTCACCAGGGGCGTGATCATCTGTGGGAAGGCGT-3'

ClinVar aggregate classification (germline): Likely benign (1 of 4 stars; one submission).

Allele frequency attached by ClinVar (database versions not stated): ExAC 0.00001; gnomAD exomes 0.00002 and 0.00006; gnomAD 0.00003 and 0.00004; TOPMed 0.00006.
gnomAD v4.1: 82 of 1,602,684 alleles (0.0051%); highest among the groups gnomAD compares: Non-Finnish European, 0.0063%; 1 homozygote.

Submission:

GeneDx
Classification: Likely benign. Last evaluated: 2015-10-07. Review status: criteria provided, single submitter. Criteria: GeneDx Variant Classification (06012015). Collection method: clinical testing. Allele origin: germline. Affected: yes.
Comment: This variant is considered likely benign or benign based on one or more of the following criteria: it is a conservative change, it occurs at a poorly conserved position in the protein, it is predicted to be benign by multiple in silico algorithms, and/or has population frequency not consistent with disease.